The following is an entry in ClinVar:

ClinVar aggregate classification (germline): Likely benign. Review status: criteria provided, single submitter (1 of 4 stars). 2 submissions from 2 submitters: Likely benign (1). 1 of the submissions does not count toward it. Last evaluated 2020-03-12.

Conditions:
NR5A1-related disorder. Also called: NR5A1-related condition.

Submissions (2):

Blueprint Genetics
Classification: Likely benign. Last evaluated: 2020-03-12. Review status: criteria provided, single submitter. Criteria: ACMG Guidelines, 2015. Collection method: clinical testing. Allele origin: germline.

PreventionGenetics, part of Exact Sciences
Classification: Likely benign for NR5A1-related condition. Last evaluated: 2024-08-13. Review status: no assertion criteria provided. Collection method: clinical testing. Allele origin: germline. Not counted in ClinVar's aggregate classification.
Comment: This variant is classified as likely benign based on ACMG/AMP sequence variant interpretation guidelines (Richards et al. 2015 PMID: 25741868, with internal and published modifications).

NM_004959.5(NR5A1):c.327G>A (p.Lys109=)

Gene: NR5A1 (nuclear receptor subfamily 5 group A member 1; minus strand). Cytogenetic location: 9q33.3.
Variant type: single nucleotide variant.
Coding change: c.327G>A on transcript NM_004959.5 (MANE Select); coding-DNA position 327, G replaced by A.
Protein change: p.Lys109=; no amino-acid change (lysine 109 retained).
Molecular consequence: synonymous variant.
Genome position (GRCh38, 1-based): chr9:124,500,633, C>T on the plus strand (G>A on the coding strand, the complement: NR5A1 is on the minus strand). VCF-style: chr9-124500633-C-T. GRCh37 (hg19) VCF-style: chr9-127262912-C-T.
Identifiers: ClinVar variation 3346951 (VCV003346951.2).